The following is an entry in ClinVar:

ClinVar aggregate classification (germline): Conflicting classifications of pathogenicity. Review status: criteria provided, conflicting classifications (1 of 4 stars). 2 submissions from 2 submitters: Uncertain significance (1); Likely benign (1). Last evaluated 2023-08-14.

Conditions:
Inborn genetic diseases. Identifiers: MedGen C0950123, MeSH D030342.

Allele frequency attached by ClinVar (database versions not stated): gnomAD exomes below 0.00001; TOPMed below 0.00001.

Submissions (2):

Ambry Genetics
Classification: Uncertain significance for Inborn genetic diseases. Last evaluated: 2023-08-14. Review status: criteria provided, single submitter. Criteria: Ambry Variant Classification Scheme 2023. Collection method: clinical testing. Allele origin: germline.

GeneDx
Classification: Likely benign. Last evaluated: 2012-11-15. Review status: criteria provided, single submitter. Criteria: GeneDx Variant Classification (06012015). Collection method: clinical testing. Allele origin: germline. Affected: yes.
Comment: This variant is considered likely benign or benign based on one or more of the following criteria: it is a conservative change, it occurs at a poorly conserved position in the protein, it is predicted to be benign by multiple in silico algorithms, and/or has population frequency not consistent with disease.

NM_017866.6(TMEM70):c.25C>T (p.Pro9Ser)

Gene: TMEM70 (transmembrane protein 70; plus strand). Cytogenetic location: 8q21.11.
Variant type: single nucleotide variant.
Coding change: c.25C>T on transcript NM_017866.6 (MANE Select); coding-DNA position 25, C replaced by T.
Protein change: p.Pro9Ser; replaces proline 9 with serine.
Molecular consequence: missense variant. On other transcripts: non-coding transcript variant (1).
Genome position (GRCh38, 1-based): chr8:73,976,306, C>T. VCF-style: chr8-73976306-C-T. GRCh37 (hg19) VCF-style: chr8-74888541-C-T.
Other names: p.P9S:CCG>TCG; c.25C>T, p.Pro9Ser (NM_001040613.3); short protein forms P9S.
Identifiers: ClinVar variation 203983 (VCV000203983.3), dbSNP rs796052054, ClinGen allele CA313074.